The following is an entry in ClinVar:

ClinVar aggregate classification (germline): Conflicting classifications of pathogenicity. Review status: criteria provided, conflicting classifications (1 of 4 stars). 2 submissions from 2 submitters: Uncertain significance (1); Likely benign (1). Last evaluated 2022-09-27.

Allele frequency attached by ClinVar (database versions not stated): gnomAD 0.00001; TOPMed 0.00002.

Submissions (2):

Blueprint Genetics
Classification: Likely benign. Last evaluated: 2022-09-27. Review status: criteria provided, single submitter. Criteria: ACMG Guidelines, 2015. Collection method: clinical testing. Allele origin: germline.

Labcorp Genetics (formerly Invitae), Labcorp
Classification: Uncertain significance. Last evaluated: 2022-06-12. Review status: criteria provided, single submitter. Criteria: Invitae Variant Classification Sherloc (09022015). Collection method: clinical testing. Allele origin: germline.
Comment: This variant is present in population databases (rs781989716, gnomAD 0.002%). This variant has not been reported in the literature in individuals affected with HYOU1-related conditions. Experimental studies and prediction algorithms are not available or were not evaluated, and the effect of this variant on mRNA splicing is currently unknown. In summary, the available evidence is currently insufficient to determine the role of this variant in disease. Therefore, it has been classified as a Variant of Uncertain Significance. This sequence change affects codon 21 of the HYOU1 mRNA. It is a 'silent' change, meaning that it does not change the encoded amino acid sequence of the HYOU1 protein.

NM_006389.5(HYOU1):c.63G>A (p.Val21=)

Gene: HYOU1 (hypoxia up-regulated 1; minus strand). Cytogenetic location: 11q23.3.
Variant type: single nucleotide variant.
Coding change: c.63G>A on transcript NM_006389.5 (MANE Select); coding-DNA position 63, G replaced by A.
Protein change: p.Val21=; no amino-acid change (valine 21 retained).
Molecular consequence: synonymous variant.
Genome position (GRCh38, 1-based): chr11:119,056,098, C>T on the plus strand (G>A on the coding strand, the complement: HYOU1 is on the minus strand). VCF-style: chr11-119056098-C-T. GRCh37 (hg19) VCF-style: chr11-118926810-C-T.
Other names: c.63G>A, p.Val21= (NM_001130991.3, NM_001411041.1).
Identifiers: ClinVar variation 2174059 (VCV002174059.5), dbSNP rs781989716, ClinGen allele CA229649713.